The following is an entry in ClinVar:

ClinVar aggregate classification (germline): Uncertain significance (1 of 4 stars; one submission).

Conditions:
Hereditary cancer-predisposing syndrome. Also called: Hereditary neoplastic syndrome; Neoplastic Syndromes, Hereditary; Tumor predisposition; Hereditary Cancer Syndrome. Identifiers: Orphanet 140162, MedGen C0027672, MeSH D009386, MONDO:0015356.

Submission:

Ambry Genetics
Classification: Uncertain significance for Hereditary cancer-predisposing syndrome. Last evaluated: 2020-06-11. Review status: criteria provided, single submitter. Criteria: Ambry Variant Classification Scheme 2023. Collection method: clinical testing. Allele origin: germline.
Comment: The p.T2194K variant (also known as c.6581C>A), located in coding exon 45 of the ATM gene, results from a C to A substitution at nucleotide position 6581. The threonine at codon 2194 is replaced by lysine, an amino acid with similar properties. This amino acid position is not well conserved in available vertebrate species. In addition, this alteration is predicted to be tolerated by in silico analysis. Since supporting evidence is limited at this time, the clinical significance of this alteration remains unclear.

NM_000051.4(ATM):c.6581C>A (p.Thr2194Lys)

Genes: ATM (ATM serine/threonine kinase; plus strand), C11orf65 (chromosome 11 open reading frame 65; minus strand). Cytogenetic location: 11q22.3.
Variant type: single nucleotide variant.
Coding change: c.6581C>A on transcript NM_000051.4 (MANE Select); coding-DNA position 6581, C replaced by A.
Protein change: p.Thr2194Lys; replaces threonine 2194 with lysine.
Molecular consequence: missense variant. On other transcripts: intron variant (2).
Genome position (GRCh38, 1-based): chr11:108,325,318, C>A. VCF-style: chr11-108325318-C-A. GRCh37 (hg19) VCF-style: chr11-108196045-C-A.
Other names: c.6581C>A, p.Thr2194Lys (NM_001351834.2); c.641-16247G>T (NM_001330368.2); c.*38+9902G>T (NM_001351110.2); short protein forms T2194K.
Identifiers: ClinVar variation 1754314 (VCV001754314.2), dbSNP rs1476384636, ClinGen allele CA382554657.